The following is an entry in ClinVar:

ClinVar aggregate classification (germline): Uncertain significance (1 of 4 stars; one submission).

Conditions:
Wilson disease (WND). Also called: Wilson's disease. Identifiers: Orphanet 905, MedGen C0019202, MONDO:0010200, OMIM 277900. Disease mechanism: loss of function.

gnomAD v4.1: 1 of 1,614,174 alleles (0.000062%); highest among the groups gnomAD compares: Non-Finnish European, 0.000085%; no homozygotes.

Submission:

Color Diagnostics, LLC DBA Color Health
Classification: Uncertain significance for Wilson disease. Last evaluated: 2025-07-17. Review status: criteria provided, single submitter. Criteria: ACMG Guidelines, 2015. Collection method: clinical testing. Allele origin: germline.
Comment: This missense variant replaces isoleucine with valine at codon 968 of the ATP7B protein. Computational prediction suggests that this variant may not impact protein structure and function. To our knowledge, functional studies have not been reported for this variant. This variant has not been reported in individuals affected with ATP7B-related disorders in the literature. This variant has not been identified in the general population by the Genome Aggregation Database (gnomAD). The available evidence is insufficient to determine the role of this variant in disease conclusively. Therefore, this variant is classified as a Variant of Uncertain Significance.

NM_000053.4(ATP7B):c.2902A>G (p.Ile968Val)

Gene: ATP7B (ATPase copper transporting beta; minus strand). Cytogenetic location: 13q14.3.
Variant type: single nucleotide variant.
Coding change: c.2902A>G on transcript NM_000053.4 (MANE Select); coding-DNA position 2902, A replaced by G.
Protein change: p.Ile968Val; replaces isoleucine 968 with valine.
Molecular consequence: missense variant. On other transcripts: intron variant (6).
Genome position (GRCh38, 1-based): chr13:51,946,442, T>C on the plus strand (A>G on the coding strand, the complement: ATP7B is on the minus strand). VCF-style: chr13-51946442-T-C. GRCh37 (hg19) VCF-style: chr13-52520578-T-C.
Other names: c.2281A>G, p.Ile761Val (NM_001005918.3); c.2569A>G, p.Ile857Val (NM_001243182.2); c.2668A>G, p.Ile890Val (NM_001330578.2, NM_001406527.1, NM_001406528.1 and 1 more transcripts); c.2650A>G, p.Ile884Val (NM_001330579.2, NM_001406531.1, NM_001406532.1); c.2902A>G, p.Ile968Val (NM_001406511.1, NM_001406512.1, NM_001406513.1 and 2 more transcripts); c.2869A>G, p.Ile957Val (NM_001406514.1); c.2848A>G, p.Ile950Val (NM_001406515.1, NM_001406516.1); c.2806A>G, p.Ile936Val (NM_001406517.1, NM_001406518.1); and 18 more; short protein forms I538V, I752V, I761V, I774V, I806V, I825V, I852V, I857V.
Identifiers: ClinVar variation 4757747 (VCV004757747.1).